The following is an entry in ClinVar:

NM_000218.3(KCNQ1):c.658C>A (p.Gln220Lys)

Gene: KCNQ1 (potassium voltage-gated channel subfamily Q member 1; plus strand). Cytogenetic location: 11p15.5.
Variant type: single nucleotide variant.
Coding change: c.658C>A on transcript NM_000218.3 (MANE Select); coding-DNA position 658, C replaced by A.
Protein change: p.Gln220Lys; replaces glutamine 220 with lysine.
Molecular consequence: missense variant.
Genome position (GRCh38, 1-based): chr11:2,571,378, C>A. VCF-style: chr11-2571378-C-A. GRCh37 (hg19) VCF-style: chr11-2592608-C-A.
Other names: c.658C>A, p.Gln220Lys (NM_001406836.1); c.388C>A, p.Gln130Lys (NM_001406837.1); c.277C>A, p.Gln93Lys (NM_181798.2); short protein forms Q220K, Q93K, Q130K.
Identifiers: ClinVar variation 927874 (VCV000927874.10), dbSNP rs755789171, ClinGen allele CA039402.

ClinVar aggregate classification (germline): Uncertain significance. Review status: criteria provided, multiple submitters, no conflicts (2 of 4 stars). 3 submissions from 3 submitters: Uncertain significance (3). Last evaluated 2024-02-13.

Conditions:
Long QT syndrome (LQTS). Identifiers: MedGen C0023976, MeSH D008133, MONDO:0002442. Disease mechanism: loss of function. Inheritance: Various modes of inheritance.
Cardiovascular phenotype. Identifiers: MedGen CN230736.
Cardiac arrhythmia. Also called: Cardiac rhythm disease; Arrhythmia. Identifiers: MedGen C0003811, MONDO:0007263, HP:0011675.

Allele frequency attached by ClinVar (database versions not stated): gnomAD exomes 0.00002 and 0.00004; ExAC 0.00006.
gnomAD v4.1: 25 of 1,612,732 alleles (0.0016%); highest among the groups gnomAD compares: South Asian, 0.026%; no homozygotes.

Submissions (3):

Ambry Genetics
Classification: Uncertain significance for Cardiovascular phenotype. Last evaluated: 2024-02-13. Review status: criteria provided, single submitter. Criteria: Ambry Variant Classification Scheme 2023. Collection method: clinical testing. Allele origin: germline.
Comment: The p.Q220K variant (also known as c.658C>A), located in coding exon 4 of the KCNQ1 gene, results from a C to A substitution at nucleotide position 658. The glutamine at codon 220 is replaced by lysine, an amino acid with similar properties. This variant has been detected in an individual from a sudden unexplained death cohort (Stattin EL et al. Int J Legal Med, 2016 Jan;130:59-66). This amino acid position is highly conserved in available vertebrate species. In addition, this alteration is predicted to be deleterious by in silico analysis. Based on the available evidence, the clinical significance of this alteration remains unclear.

All of Us Research Program, National Institutes of Health
Classification: Uncertain significance for Long QT syndrome. Last evaluated: 2024-01-11. Review status: criteria provided, single submitter. Criteria: ACMG Guidelines, 2015. Collection method: clinical testing. Allele origin: germline. Inheritance: Autosomal dominant inheritance. Observed: 2 variant alleles, 2 heterozygotes.
Comment: This missense variant replaces glutamine with lysine at codon 220 of the KCNQ1 protein. Computational prediction suggests that this variant may have deleterious impact on protein structure and function (internally defined REVEL score threshold >= 0.7, PMID: 27666373). Splice site prediction tools suggest that this variant may not impact RNA splicing. To our knowledge, functional studies have not been performed for this variant. This variant has been reported in an individual affected with sudden unexplained death (PMID: 26228265). This variant has also been identified in 10/249844 chromosomes in the general population by the Genome Aggregation Database (gnomAD). The available evidence is insufficient to determine the role of this variant in disease conclusively. Therefore, this variant is classified as a Variant of Uncertain Significance.

This study involves interpretation of variants in research participants for the purpose of population health screening. Participant phenotype was not available at the time of variant classification. Additional details can be found in publication PMID: 35346344, PMCID: PMC8962531

Color Diagnostics, LLC DBA Color Health
Classification: Uncertain significance for Cardiac arrhythmia. Last evaluated: 2023-06-21. Review status: criteria provided, single submitter. Criteria: ACMG Guidelines, 2015. Collection method: clinical testing. Allele origin: germline.
Comment: This missense variant replaces glutamine with lysine at codon 220 of the KCNQ1 protein. Computational prediction suggests that this variant may have deleterious impact on protein structure and function (internally defined REVEL score threshold >= 0.7, PMID: 27666373). Splice site prediction tools suggest that this variant may not impact RNA splicing. To our knowledge, functional studies have not been performed for this variant. This variant has been reported in an individual affected with sudden unexplained death (PMID: 26228265). This variant has also been identified in 10/249844 chromosomes in the general population by the Genome Aggregation Database (gnomAD). The available evidence is insufficient to determine the role of this variant in disease conclusively. Therefore, this variant is classified as a Variant of Uncertain Significance.

Literature cited by the submitters: PubMed 26228265 (cited by 3 submitters).